The following is an entry in ClinVar:

ClinVar aggregate classification (germline): Benign/Likely benign. Review status: criteria provided, multiple submitters, no conflicts (2 of 4 stars). 5 submissions from 5 submitters: Benign (2); Likely benign (2). 1 of the submissions does not count toward it. Last evaluated 2026-09-01.

Conditions:
ARHGEF1-related disorder. Also called: ARHGEF1-related condition.

Allele frequency attached by ClinVar (database versions not stated): 1000 Genomes Project 0.00280; 1000 Genomes Project 30x 0.00344; ESP Exome Variant Server 0.00561.
gnomAD v4.1: 12,027 of 1,613,950 alleles (0.75%); highest among the groups gnomAD compares: Non-Finnish European, 0.89%; 58 homozygotes.

Submissions (5):

CeGaT Center for Human Genetics Tuebingen
Classification: Likely benign. Last evaluated: 2026-09-01. Review status: criteria provided, single submitter. Criteria: CeGaT Center For Human Genetics Tuebingen Variant Classification Criteria Version 2. Collection method: clinical testing. Allele origin: germline. Affected: yes. Observed: 11 variant alleles.
Comment: ARHGEF1: BP4, BP7, BS2

Labcorp Genetics (formerly Invitae), Labcorp
Classification: Benign. Last evaluated: 2026-02-01. Review status: criteria provided, single submitter. Criteria: Invitae Variant Classification Sherloc (09022015). Collection method: clinical testing. Allele origin: germline.

Women's Health and Genetics/Laboratory Corporation of America, LabCorp
Classification: Benign. Last evaluated: 2026-01-22. Review status: criteria provided, single submitter. Criteria: LabCorp Variant Classification Summary - May 2015. Collection method: clinical testing. Allele origin: germline.

Breakthrough Genomics
Classification: Likely benign. Review status: criteria provided, single submitter. Criteria: ACMG Guidelines, 2015. Collection method: not provided. Allele origin: germline. Inheritance: Autosomal recessive inheritance. Affected: yes.

PreventionGenetics, part of Exact Sciences
Classification: Benign for ARHGEF1-related condition. Last evaluated: 2019-11-27. Review status: no assertion criteria provided. Collection method: clinical testing. Allele origin: germline. Not counted in ClinVar's aggregate classification.
Comment: This variant is classified as benign based on ACMG/AMP sequence variant interpretation guidelines (Richards et al. 2015 PMID: 25741868, with internal and published modifications).

NM_004706.4(ARHGEF1):c.2259T>G (p.Ala753=)

Gene: ARHGEF1 (Rho guanine nucleotide exchange factor 1; plus strand). Cytogenetic location: 19q13.2.
Variant type: single nucleotide variant.
Coding change: c.2259T>G on transcript NM_004706.4 (MANE Select); coding-DNA position 2259, T replaced by G.
Protein change: p.Ala753=; no amino-acid change (alanine 753 retained).
Molecular consequence: synonymous variant.
Genome position (GRCh38, 1-based): chr19:41,905,184, T>G. VCF-style: chr19-41905184-T-G. GRCh37 (hg19) VCF-style: chr19-42409336-T-G.
Other names: c.2304T>G (NM_199002.1); c.2160T>G, p.Ala720= (NM_198977.2); c.2304T>G, p.Ala768= (NM_199002.2).
Identifiers: ClinVar variation 1169797 (VCV001169797.46), dbSNP rs41307033, ClinGen allele CA9466648.
Genomic context (GRCh38, chr19:41,905,184, plus strand): 5'-GCATAGGGTCTGGGGGCTCTGACTGCCCAGGGATTTGGCCTTTCTCCCCAGCTGGTGTGC[T>G]CTCATCACTGAGACTGCCGGATCCCTGAAAGTCCCTGCCCCTGCCTCTCGCCCTAAGCCC-3'
Protein context (NP_004697.2, residues 743-763): QTVSERKNWC[Ala753=]LITETAGSLK